The following is an entry in ClinVar:

ClinVar aggregate classification (germline): Uncertain significance. Review status: criteria provided, multiple submitters, no conflicts (2 of 4 stars). 2 submissions from 2 submitters: Uncertain significance (2). Last evaluated 2025-08-01.

Conditions:
Inborn genetic diseases. Identifiers: MedGen C0950123, MeSH D030342.

Submissions (2):

Ambry Genetics
Classification: Uncertain significance for Inborn genetic diseases. Last evaluated: 2025-08-01. Review status: criteria provided, single submitter. Criteria: Ambry Variant Classification Scheme 2023. Collection method: clinical testing. Allele origin: germline.

Labcorp Genetics (formerly Invitae), Labcorp
Classification: Uncertain significance. Last evaluated: 2023-06-11. Review status: criteria provided, single submitter. Criteria: Invitae Variant Classification Sherloc (09022015). Collection method: clinical testing. Allele origin: germline.
Comment: This variant has not been reported in the literature in individuals affected with GRIN2D-related conditions. Advanced modeling of protein sequence and biophysical properties (such as structural, functional, and spatial information, amino acid conservation, physicochemical variation, residue mobility, and thermodynamic stability) performed at Invitae indicates that this missense variant is expected to disrupt GRIN2D protein function. Algorithms developed to predict the effect of sequence changes on RNA splicing suggest that this variant may disrupt the consensus splice site. In summary, the available evidence is currently insufficient to determine the role of this variant in disease. Therefore, it has been classified as a Variant of Uncertain Significance. This variant is not present in population databases (gnomAD no frequency). This sequence change replaces methionine, which is neutral and non-polar, with lysine, which is basic and polar, at codon 733 of the GRIN2D protein (p.Met733Lys).

NM_000836.4(GRIN2D):c.2198T>A (p.Met733Lys)

Gene: GRIN2D (glutamate ionotropic receptor NMDA type subunit 2D; plus strand). Cytogenetic location: 19q13.33.
Variant type: single nucleotide variant.
Coding change: c.2198T>A on transcript NM_000836.4 (MANE Select); coding-DNA position 2198, T replaced by A.
Protein change: p.Met733Lys; replaces methionine 733 with lysine.
Molecular consequence: missense variant.
Genome position (GRCh38, 1-based): chr19:48,421,891, T>A. VCF-style: chr19-48421891-T-A. GRCh37 (hg19) VCF-style: chr19-48925148-T-A.
Other names: c.2198T>A (NM_000836.2); short protein forms M733K.
Identifiers: ClinVar variation 2711310 (VCV002711310.4), dbSNP rs2513676863, ClinGen allele CA406664042.